The following is an entry in ClinVar:

ClinVar aggregate classification (germline): Uncertain significance (1 of 4 stars; one submission).

Allele frequency attached by ClinVar (database versions not stated): gnomAD exomes 0.00001; TOPMed below 0.00001; gnomAD 0.00001.
gnomAD v4.1: 4 of 1,209,227 alleles (0.00033%); highest among the groups gnomAD compares: Non-Finnish European, 0.00045%; no homozygotes.

Submission:

GeneDx
Classification: Uncertain significance. Last evaluated: 2019-10-18. Review status: criteria provided, single submitter. Criteria: GeneDx Variant Classification Process June 2021. Collection method: clinical testing. Allele origin: germline. Affected: yes.
Comment: In silico analysis, which includes protein predictors and evolutionary conservation, supports a deleterious effect; Has not been previously published as pathogenic or benign to our knowledge

NM_181332.3(NLGN4X):c.2444G>C (p.Arg815Thr)

Gene: NLGN4X (neuroligin 4 X-linked; minus strand). Cytogenetic location: Xp22.32.
Variant type: single nucleotide variant.
Coding change: c.2444G>C on transcript NM_181332.3 (MANE Select); coding-DNA position 2444, G replaced by C.
Protein change: p.Arg815Thr; replaces arginine 815 with threonine.
Molecular consequence: missense variant.
Genome position (GRCh38, 1-based): chrX:5,892,824, C>G on the plus strand (G>C on the coding strand, the complement: NLGN4X is on the minus strand). VCF-style: chrX-5892824-C-G. GRCh37 (hg19) VCF-style: chrX-5810865-C-G.
Other names: c.2444G>C, p.Arg815Thr (NM_001282145.2, NM_001282146.2, NM_020742.4); short protein forms R815T.
Identifiers: ClinVar variation 1302926 (VCV001302926.2), dbSNP rs1461164548, ClinGen allele CA412012234.